The following is an entry in ClinVar:

NM_006044.4(HDAC6):c.999+9G>A

Gene: HDAC6 (histone deacetylase 6; plus strand). Cytogenetic location: Xp11.23.
Variant type: single nucleotide variant.
Coding change: c.999+9G>A on transcript NM_006044.4 (MANE Select); 9 bases into the intron after coding-DNA position 999, G replaced by A.
Molecular consequence: intron variant. On other transcripts: non-coding transcript variant (1).
Genome position (GRCh38, 1-based): chrX:48,814,749, G>A. VCF-style: chrX-48814749-G-A. GRCh37 (hg19) VCF-style: chrX-48673156-G-A.
Other names: c.1041+9G>A (NM_001321225.2); c.999+9G>A (NM_001321229.1, NM_001321226.2, NM_001321227.2 and 1 more transcripts).
Identifiers: ClinVar variation 3057132 (VCV003057132.2), dbSNP rs147652236, ClinGen allele CA10404970.

ClinVar aggregate classification (germline): Likely benign (0 of 4 stars; one submission).

Conditions:
HDAC6-related disorder. Also called: HDAC6-related condition.

Allele frequency attached by ClinVar (database versions not stated): ExAC 0.00041; ESP Exome Variant Server 0.00142; TOPMed 0.00151; 1000 Genomes Project 0.00159; 1000 Genomes Project 30x 0.00166.
gnomAD v4.1: 280 of 1,209,410 alleles (0.023%); highest among the groups gnomAD compares: African/African-American, 0.42%; 2 homozygotes.

Submission:

PreventionGenetics, part of Exact Sciences
Classification: Likely benign for HDAC6-related condition. Last evaluated: 2020-04-17. Review status: no assertion criteria provided. Collection method: clinical testing. Allele origin: germline.
Comment: This variant is classified as likely benign based on ACMG/AMP sequence variant interpretation guidelines (Richards et al. 2015 PMID: 25741868, with internal and published modifications).